The following is an entry in ClinVar:

ClinVar aggregate classification (germline): Uncertain significance (1 of 4 stars; one submission).

gnomAD v4.1: 2 of 1,611,166 alleles (0.00012%); highest among the groups gnomAD compares: African/African-American, 0.0027%; no homozygotes.

Submission:

GeneDx
Classification: Uncertain significance. Last evaluated: 2024-02-05. Review status: criteria provided, single submitter. Criteria: GeneDx Variant Classification Process June 2021. Collection method: clinical testing. Allele origin: germline. Affected: yes.
Comment: Not observed at significant frequency in large population cohorts (gnomAD); In silico analysis supports that this missense variant does not alter protein structure/function; Has not been previously published as pathogenic or benign to our knowledge

NM_001020658.2(PUM1):c.536C>T (p.Thr179Ile)

Gene: PUM1 (pumilio RNA binding family member 1; minus strand). Cytogenetic location: 1p35.2.
Variant type: single nucleotide variant.
Coding change: c.536C>T on transcript NM_001020658.2 (MANE Select); coding-DNA position 536, C replaced by T.
Protein change: p.Thr179Ile; replaces threonine 179 with isoleucine.
Molecular consequence: missense variant.
Genome position (GRCh38, 1-based): chr1:31,006,999, G>A on the plus strand (C>T on the coding strand, the complement: PUM1 is on the minus strand). VCF-style: chr1-31006999-G-A. GRCh37 (hg19) VCF-style: chr1-31479846-G-A.
Other names: c.536C>T, p.Thr179Ile (NM_014676.3); short protein forms T179I.
Identifiers: ClinVar variation 3368839 (VCV003368839.1).